The following is an entry in ClinVar:

ClinVar aggregate classification (germline): Uncertain significance. Review status: criteria provided, multiple submitters, no conflicts (2 of 4 stars). 3 submissions from 3 submitters: Uncertain significance (3). Last evaluated 2024-10-24.

Conditions:
Inborn genetic diseases. Identifiers: MedGen C0950123, MeSH D030342.

Allele frequency attached by ClinVar (database versions not stated): gnomAD 0.00001; gnomAD exomes 0.00001 and 0.00002; ExAC 0.00002; TOPMed 0.00002.
gnomAD v4.1: 13 of 1,613,720 alleles (0.00081%); highest among the groups gnomAD compares: Admixed American, 0.0067%; no homozygotes.

Submissions (3):

Ambry Genetics
Classification: Uncertain significance for Inborn genetic diseases. Last evaluated: 2024-10-24. Review status: criteria provided, single submitter. Criteria: Ambry Variant Classification Scheme 2023. Collection method: clinical testing. Allele origin: germline.

Labcorp Genetics (formerly Invitae), Labcorp
Classification: Uncertain significance. Last evaluated: 2023-10-03. Review status: criteria provided, single submitter. Criteria: Invitae Variant Classification Sherloc (09022015). Collection method: clinical testing. Allele origin: germline.
Comment: This sequence change replaces lysine, which is basic and polar, with asparagine, which is neutral and polar, at codon 701 of the PCLO protein (p.Lys701Asn). This variant is present in population databases (rs755646536, gnomAD 0.01%). This variant has not been reported in the literature in individuals affected with PCLO-related conditions. ClinVar contains an entry for this variant (Variation ID: 1461520). Experimental studies and prediction algorithms are not available or were not evaluated, and the functional significance of this variant is currently unknown. In summary, the available evidence is currently insufficient to determine the role of this variant in disease. Therefore, it has been classified as a Variant of Uncertain Significance.

CeGaT Center for Human Genetics Tuebingen
Classification: Uncertain significance. Last evaluated: 2023-09-01. Review status: criteria provided, single submitter. Criteria: CeGaT Center For Human Genetics Tuebingen Variant Classification Criteria Version 2. Collection method: clinical testing. Allele origin: germline. Affected: yes. Observed: 1 variant allele.
Comment: PCLO: PM2, BP4

NM_033026.6(PCLO):c.2103A>C (p.Lys701Asn)

Gene: PCLO (piccolo presynaptic cytomatrix protein; minus strand). Cytogenetic location: 7q21.11.
Variant type: single nucleotide variant.
Coding change: c.2103A>C on transcript NM_033026.6 (MANE Select); coding-DNA position 2103, A replaced by C.
Protein change: p.Lys701Asn; replaces lysine 701 with asparagine.
Molecular consequence: missense variant.
Genome position (GRCh38, 1-based): chr7:83,135,447, T>G on the plus strand (A>C on the coding strand, the complement: PCLO is on the minus strand). VCF-style: chr7-83135447-T-G. GRCh37 (hg19) VCF-style: chr7-82764763-T-G.
Other names: c.2103A>C, p.Lys701Asn (NM_014510.3); c.2103A>C (NM_033026.5); short protein forms K701N.
Identifiers: ClinVar variation 1461520 (VCV001461520.30), dbSNP rs755646536, ClinGen allele CA4321311.
Genomic context (GRCh38, chr7:83,135,447, plus strand): 5'-CTTGGCCTTGGCTGAAGGAGAGCCATGAAGGGTTGGTTGTTTCACTAGTGGTGGTGGCTT[T>G]TTAGGCTCAGGTGCCTTGGAGAGATCCTGTTTTGGTGCAGCATCCTTCTTTGGGGAAGTC-3'
Protein context (NP_149015.2, residues 691-711): KQDLSKAPEP[Lys701Asn]KPPPLVKQPT